The following is an entry in ClinVar:

ClinVar aggregate classification (germline): Uncertain significance (1 of 4 stars; one submission).

Conditions:
Hereditary cancer-predisposing syndrome. Also called: Neoplastic Syndromes, Hereditary; Tumor predisposition; Hereditary Cancer Syndrome; Hereditary neoplastic syndrome. Identifiers: Orphanet 140162, MedGen C0027672, MeSH D009386, MONDO:0015356.

Submission:

Ambry Genetics
Classification: Uncertain significance for Hereditary cancer-predisposing syndrome. Last evaluated: 2019-11-27. Review status: criteria provided, single submitter. Criteria: Ambry Variant Classification Scheme 2023. Collection method: clinical testing. Allele origin: germline.
Comment: The p.K301R variant (also known as c.902A>G), located in coding exon 8 of the PMS2 gene, results from an A to G substitution at nucleotide position 902. The lysine at codon 301 is replaced by arginine, an amino acid with highly similar properties. This amino acid position is highly conserved in available vertebrate species. In addition, the in silico prediction for this alteration is inconclusive. Since supporting evidence is limited at this time, the clinical significance of this alteration remains unclear.

NM_000535.7(PMS2):c.902A>G (p.Lys301Arg)

Gene: PMS2 (PMS1 homolog 2, mismatch repair system component; minus strand). Cytogenetic location: 7p22.1.
Variant type: single nucleotide variant.
Coding change: c.902A>G on transcript NM_000535.7 (MANE Select); coding-DNA position 902, A replaced by G.
Protein change: p.Lys301Arg; replaces lysine 301 with arginine.
Molecular consequence: missense variant. On other transcripts: 5 prime UTR variant (2), non-coding transcript variant (1).
Genome position (GRCh38, 1-based): chr7:5,995,535, T>C on the plus strand (A>G on the coding strand, the complement: PMS2 is on the minus strand). VCF-style: chr7-5995535-T-C. GRCh37 (hg19) VCF-style: chr7-6035166-T-C.
Other names: c.497A>G, p.Lys166Arg (NM_001018040.1, NM_001322003.2, NM_001322004.2 and 20 more transcripts); c.902A>G, p.Lys301Arg (NM_001322006.2, NM_001322014.2, NM_001406870.1 and 2 more transcripts); c.584A>G, p.Lys195Arg (NM_001322007.2, NM_001322008.2, NM_001406876.1 and 4 more transcripts); c.-32A>G (NM_001322011.2, NM_001322012.2); c.329A>G, p.Lys110Arg (NM_001322013.2, NM_001406909.1); c.593A>G, p.Lys198Arg (NM_001322015.2, NM_001406875.1, NM_001406877.1 and 6 more transcripts); c.1088A>G, p.Lys363Arg (NM_001406866.1); c.926A>G, p.Lys309Arg (NM_001406868.1); and 4 more; short protein forms K195R, K198R, K363R, K166R, K309R, K110R, K130R, K189R.
Identifiers: ClinVar variation 1765524 (VCV001765524.2), dbSNP rs1554300696, ClinGen allele CA366743399.